The following is an entry in ClinVar:

NM_000350.3(ABCA4):c.2531T>G (p.Leu844Arg)

Gene: ABCA4 (ATP binding cassette subfamily A member 4; minus strand). Cytogenetic location: 1p22.1.
Variant type: single nucleotide variant.
Coding change: c.2531T>G on transcript NM_000350.3 (MANE Select); coding-DNA position 2531, T replaced by G.
Protein change: p.Leu844Arg; replaces leucine 844 with arginine.
Molecular consequence: missense variant.
Genome position (GRCh38, 1-based): chr1:94,055,167, A>C on the plus strand (T>G on the coding strand, the complement: ABCA4 is on the minus strand). VCF-style: chr1-94055167-A-C. GRCh37 (hg19) VCF-style: chr1-94520723-A-C.
Other names: c.2309T>G, p.Leu770Arg (NM_001425324.1); short protein forms L844R, L770R.
Identifiers: ClinVar variation 934230 (VCV000934230.13), dbSNP rs1660938577, ClinGen allele CA341276880.

ClinVar aggregate classification (germline): Conflicting classifications of pathogenicity. Review status: criteria provided, conflicting classifications (1 of 4 stars). 5 submissions from 5 submitters: Pathogenic (1); Likely pathogenic (3); Uncertain significance (1). Last evaluated 2026-04-30.

Conditions:
ABCA4-related disorder. Also called: ABCA4-related condition; ABCA4-related disorders. Identifiers: MedGen CN239167.
Retinal dystrophy. Also called: Inherited retinal dystrophy. Identifiers: Orphanet 71862, MedGen C0854723, MeSH D058499, MONDO:0019118, HP:0000556.
Cone-rod dystrophy 3 (CORD3). Identifiers: Orphanet 1872, MedGen C1858806, MONDO:0011395, OMIM 604116.

Allele frequency attached by ClinVar (database versions not stated): TOPMed below 0.00001.
gnomAD v4.1: 2 of 1,614,152 alleles (0.00012%); highest among the groups gnomAD compares: Non-Finnish European, 0.00017%; no homozygotes.

Submissions (5):

PreventionGenetics, part of Exact Sciences
Classification: Uncertain significance for ABCA4-related condition. Last evaluated: 2026-04-30. Review status: criteria provided, single submitter. Criteria: ACMG Guidelines, 2015. Collection method: clinical testing. Allele origin: germline.
Comment: The ABCA4 c.2531T>G variant is predicted to result in the amino acid substitution p.Leu844Arg. This variant has been reported in individuals with Stargardt disease or ABCA4-related retinal disease (Supplemental table 1, Schindler et al. 2010. PubMed ID: 20647261; Lee et al. 2022. PubMed ID: 34874912; Supplemental table 1, Fenner et al. 2024. PubMed ID: 38309476). This variant has not been reported in a large population database (gnomAD), indicating this variant is rare. Although we suspect that this variant may be pathogenic, at this time, the clinical significance of this variant is uncertain due to the absence of conclusive functional and genetic evidence.

Labcorp Genetics (formerly Invitae), Labcorp
Classification: Likely pathogenic. Last evaluated: 2023-07-10. Review status: criteria provided, single submitter. Criteria: Invitae Variant Classification Sherloc (09022015). Collection method: clinical testing. Allele origin: germline.
Comment: This missense change has been observed in individual(s) with Stargardt disease (PMID: 20647261). ClinVar contains an entry for this variant (Variation ID: 934230). Advanced modeling of protein sequence and biophysical properties (such as structural, functional, and spatial information, amino acid conservation, physicochemical variation, residue mobility, and thermodynamic stability) performed at Invitae indicates that this missense variant is expected to disrupt ABCA4 protein function. In summary, the currently available evidence indicates that the variant is pathogenic, but additional data are needed to prove that conclusively. Therefore, this variant has been classified as Likely Pathogenic. This variant is not present in population databases (gnomAD no frequency). This sequence change replaces leucine, which is neutral and non-polar, with arginine, which is basic and polar, at codon 844 of the ABCA4 protein (p.Leu844Arg).

Institute of Human Genetics, Univ. Regensburg, Univ. Regensburg
Classification: Likely pathogenic for Retinal dystrophy. Last evaluated: 2023-01-01. Review status: criteria provided, single submitter. Criteria: ACMG Guidelines, 2015. Collection method: clinical testing. Allele origin: germline. Affected: yes.

Blueprint Genetics
Classification: Pathogenic for ABCA4-related disorders. Last evaluated: 2020-12-29. Review status: criteria provided, single submitter. Criteria: ACMG Guidelines, 2015. Collection method: clinical testing. Allele origin: germline. Affected: yes. Observed: 1 variant allele.

Victorian Clinical Genetics Services, Murdoch Childrens Research Institute
Classification: Likely pathogenic for Cone-rod dystrophy 3. Last evaluated: 2020-05-25. Review status: criteria provided, single submitter. Criteria: ACMG Guidelines, 2015. Collection method: clinical testing. Allele origin: germline. Affected: yes.
Comment: Based on the classification scheme VCGS_Germline_v0.6.1, this variant is classified as LIKELY PATHOGENIC. Following criteria are met: 0102 - Loss of function is a known mechanism of disease for this gene. 0108 - This gene is known to be associated with both recessive and dominant disease. 0200 - Variant is predicted to result in a missense amino acid change from leucine to arginine (exon 16). 0301 - Variant is absent from gnomAD. 0502 - Missense variant with conflicting in-silico predictions and uninformative conservation. 0600 - Variant is located in an annotated domain or motif that does not have a well established function (ABC2 membrane domain; PDB). 0705 - No comparable variants in relevant codon/region have previous evidence for pathogenicity. 0803 - Low previous evidence of pathogenicity in unrelated individuals. The variant has been previously described as pathogenic in one patient with Stargardt disease (PMID: 28044389) 0905 - No published segregation evidence has been identified for this variant. 1007 - No published functional evidence has been identified for this variant. 1201 - Heterozygous variant detected in trans with a second pathogenic heterozygous variant in a recessive disease.

Literature cited by the submitters: PubMed 20647261 (cited by Labcorp Genetics (formerly Invitae), Labcorp and Institute of Human Genetics, Univ. Regensburg, Univ. Regensburg); PubMed 28044389 (cited by Victorian Clinical Genetics Services, Murdoch Childrens Research Institute).